The following is an entry in ClinVar:

ClinVar aggregate classification (germline): Uncertain significance (1 of 4 stars; one submission).

Allele frequency attached by ClinVar (database versions not stated): gnomAD exomes below 0.00001; ExAC 0.00001; gnomAD 0.00001; TOPMed 0.00001.
gnomAD v4.1: 6 of 1,614,030 alleles (0.00037%); highest among the groups gnomAD compares: Non-Finnish European, 0.00051%; no homozygotes.

Submission:

Labcorp Genetics (formerly Invitae), Labcorp
Classification: Uncertain significance. Last evaluated: 2024-05-23. Review status: criteria provided, single submitter. Criteria: Invitae Variant Classification Sherloc (09022015). Collection method: clinical testing. Allele origin: germline.
Comment: This sequence change replaces leucine, which is neutral and non-polar, with phenylalanine, which is neutral and non-polar, at codon 3165 of the KMT2A protein (p.Leu3165Phe). This variant is present in population databases (rs782109128, gnomAD 0.0009%). This variant has not been reported in the literature in individuals affected with KMT2A-related conditions. ClinVar contains an entry for this variant (Variation ID: 1906893). Advanced modeling of protein sequence and biophysical properties (such as structural, functional, and spatial information, amino acid conservation, physicochemical variation, residue mobility, and thermodynamic stability) performed at Invitae indicates that this missense variant is not expected to disrupt KMT2A protein function with a negative predictive value of 95%. In summary, the available evidence is currently insufficient to determine the role of this variant in disease. Therefore, it has been classified as a Variant of Uncertain Significance.

NM_001197104.2(KMT2A):c.9495A>C (p.Leu3165Phe)

Gene: KMT2A (lysine methyltransferase 2A; plus strand). Cytogenetic location: 11q23.3.
Variant type: single nucleotide variant.
Coding change: c.9495A>C on transcript NM_001197104.2 (MANE Select); coding-DNA position 9495, A replaced by C.
Protein change: p.Leu3165Phe; replaces leucine 3165 with phenylalanine.
Molecular consequence: missense variant.
Genome position (GRCh38, 1-based): chr11:118,505,387, A>C. VCF-style: chr11-118505387-A-C. GRCh37 (hg19) VCF-style: chr11-118376102-A-C.
Other names: c.9585A>C, p.Leu3195Phe (NM_001412597.1); c.9486A>C, p.Leu3162Phe (NM_005933.4); short protein forms L3195F, L3162F, L3165F.
Identifiers: ClinVar variation 1906893 (VCV001906893.5), dbSNP rs782109128, ClinGen allele CA6304601.